The following is an entry in ClinVar:

ClinVar aggregate classification (germline): Uncertain significance. Review status: criteria provided, multiple submitters, no conflicts (2 of 4 stars). 2 submissions from 2 submitters: Uncertain significance (2). Last evaluated 2025-03-04.

Conditions:
Inborn genetic diseases. Identifiers: MedGen C0950123, MeSH D030342.

gnomAD v4.1: 30 of 1,614,098 alleles (0.0019%); highest among the groups gnomAD compares: African/African-American, 0.036%; no homozygotes.

Submissions (2):

Ambry Genetics
Classification: Uncertain significance for Inborn genetic diseases. Last evaluated: 2025-03-04. Review status: criteria provided, single submitter. Criteria: Ambry Variant Classification Scheme 2023. Collection method: clinical testing. Allele origin: germline.

Women's Health and Genetics/Laboratory Corporation of America, LabCorp
Classification: Uncertain significance. Last evaluated: 2024-06-20. Review status: criteria provided, single submitter. Criteria: LabCorp Variant Classification Summary - May 2015. Collection method: clinical testing. Allele origin: germline.
Comment: Variant summary: VDR c.874G>C (p.Asp292His) results in a non-conservative amino acid change located in the ligand-binding domain (IPR000536) of the encoded protein sequence. Three of five in-silico tools predict a damaging effect of the variant on protein function. The variant allele was found at a frequency of 2.8e-05 in 251488 control chromosomes. The available data on variant occurrences in the general population are insufficient to allow any conclusion about variant significance. To our knowledge, no occurrence of c.874G>C in individuals affected with Vitamin D-Dependent Rickets Type II With Alopecia and no experimental evidence demonstrating its impact on protein function have been reported. No submitters have cited clinical-significance assessments for this variant to ClinVar. Based on the evidence outlined above, the variant was classified as uncertain significance.

NM_000376.3(VDR):c.874G>C (p.Asp292His)

Gene: VDR (vitamin D receptor; minus strand). Cytogenetic location: 12q13.11.
Variant type: single nucleotide variant.
Coding change: c.874G>C on transcript NM_000376.3 (MANE Select); coding-DNA position 874, G replaced by C.
Protein change: p.Asp292His; replaces aspartic acid 292 with histidine.
Molecular consequence: missense variant.
Genome position (GRCh38, 1-based): chr12:47,846,690, C>G on the plus strand (G>C on the coding strand, the complement: VDR is on the minus strand). VCF-style: chr12-47846690-C-G. GRCh37 (hg19) VCF-style: chr12-48240473-C-G.
Other names: c.874G>C, p.Asp292His (NM_001017535.2, NM_001364085.2, NM_001374661.1 and 1 more transcripts); c.1024G>C, p.Asp342His (NM_001017536.2); c.874G>C (NM_001017535.1); short protein forms D292H, D342H.
Identifiers: ClinVar variation 3339933 (VCV003339933.2).
Genomic context (GRCh38, chr12:47,846,690, plus strand): 5'-TCCCCAGGAGGTGGAGTCTAGGCATACCTTTGGTCACGTCACTGACGCGGTACTTGTAGT[C>G]TTGGTTGCCACAGGTCCAGGACATGTCGTCCATGGTGAAGGACTCATTGGAGCGCAACAT-3'
Protein context (NP_000367.1, residues 282-302): DDMSWTCGNQ[Asp292His]YKYRVSDVTK